The following is an entry in ClinVar:

ClinVar aggregate classification (germline): Uncertain significance (1 of 4 stars; one submission).

Submission:

Labcorp Genetics (formerly Invitae), Labcorp
Classification: Uncertain significance. Last evaluated: 2022-11-28. Review status: criteria provided, single submitter. Criteria: Invitae Variant Classification Sherloc (09022015). Collection method: clinical testing. Allele origin: germline.
Comment: ClinVar contains an entry for this variant (Variation ID: 1471837). This variant has not been reported in the literature in individuals affected with VCAN-related conditions. This variant is not present in population databases (gnomAD no frequency). This sequence change replaces aspartic acid, which is acidic and polar, with asparagine, which is neutral and polar, at codon 849 of the VCAN protein (p.Asp849Asn). In summary, the available evidence is currently insufficient to determine the role of this variant in disease. Therefore, it has been classified as a Variant of Uncertain Significance. Algorithms developed to predict the effect of missense changes on protein structure and function output the following: SIFT: "Tolerated"; PolyPhen-2: "Benign"; Align-GVGD: "Class C0". The asparagine amino acid residue is found in multiple mammalian species, which suggests that this missense change does not adversely affect protein function.

NM_004385.5(VCAN):c.2545G>A (p.Asp849Asn)

Gene: VCAN (versican; plus strand). Cytogenetic location: 5q14.3.
Variant type: single nucleotide variant.
Coding change: c.2545G>A on transcript NM_004385.5 (MANE Select); coding-DNA position 2545, G replaced by A.
Protein change: p.Asp849Asn; replaces aspartic acid 849 with asparagine.
Molecular consequence: missense variant. On other transcripts: intron variant (2).
Genome position (GRCh38, 1-based): chr5:83,520,851, G>A. VCF-style: chr5-83520851-G-A. GRCh37 (hg19) VCF-style: chr5-82816670-G-A.
Other names: c.2545G>A, p.Asp849Asn (NM_001164098.2); c.1042+8455G>A (NM_001164097.2, NM_001126336.3); short protein forms D849N.
Identifiers: ClinVar variation 1471837 (VCV001471837.6), dbSNP rs2112410252, ClinGen allele CA360304160.